The following is an entry in ClinVar:

NM_000179.3(MSH6):c.1901del (p.Thr633_Leu634insTer)

Gene: MSH6 (mutS homolog 6; plus strand). Cytogenetic location: 2p16.3.
Variant type: Deletion.
Coding change: c.1901del on transcript NM_000179.3 (MANE Select); coding-DNA position 1901, one base deleted (T; older notation c.1901delT).
Protein change: p.Thr633_Leu634insTer.
Molecular consequence: nonsense. On other transcripts: frameshift variant (34).
Genome position (GRCh38, 1-based): chr2:47,799,884, T deleted; the last of 3 consecutive T bases (chr2:47,799,882-47,799,884); deleting any one gives the same sequence. VCF-style (leftmost placement, unchanged base first): chr2-47799881-CT-C. GRCh37 (hg19) VCF-style: chr2-48027020-CT-C.
Other names: c.1511del, p.Thr503_Leu504insTer (NM_001281492.2); c.995del, p.Thr331_Leu332insTer (NM_001281493.2, NM_001281494.2); c.1997delT, p.Leu666Terfs (NM_001406795.1, NM_001406802.1); c.1901delT, p.Leu634Terfs (NM_001406796.1, NM_001406798.1, NM_001406800.1 and 3 more transcripts); c.1604delT, p.Leu535Terfs (NM_001406797.1, NM_001406801.1, NM_001406805.1 and 10 more transcripts); c.1376delT, p.Leu459Terfs (NM_001406799.1, NM_001406806.1, NM_001406807.1); c.1823delT, p.Leu608Terfs (NM_001406804.1); c.995delT, p.Leu332Terfs (NM_001406811.1, NM_001406812.1, NM_001406814.1 and 4 more transcripts); and 2 more.
Identifiers: ClinVar variation 1782313 (VCV001782313.2), dbSNP rs587782638, ClinGen allele CA2580067724.

ClinVar aggregate classification (germline): Pathogenic (1 of 4 stars; one submission).

Conditions:
Hereditary cancer-predisposing syndrome. Also called: Neoplastic Syndromes, Hereditary; Tumor predisposition; Hereditary Cancer Syndrome; Hereditary neoplastic syndrome. Identifiers: Orphanet 140162, MedGen C0027672, MeSH D009386, MONDO:0015356.

Submission:

Ambry Genetics
Classification: Pathogenic for Hereditary cancer-predisposing syndrome. Last evaluated: 2020-01-31. Review status: criteria provided, single submitter. Criteria: Ambry Variant Classification Scheme 2023. Collection method: clinical testing. Allele origin: germline.
Comment: The c.1901delT pathogenic mutation, located in coding exon 4 of the MSH6 gene, results from a deletion of one nucleotide at nucleotide position 1901, causing a translational frameshift with a predicted alternate stop codon (p.L634*). This alteration is expected to result in loss of function by premature protein truncation or nonsense-mediated mRNA decay. As such, this alteration is interpreted as a disease-causing mutation.